The following is an entry in ClinVar:

ClinVar aggregate classification (germline): Pathogenic/Likely pathogenic. Review status: criteria provided, multiple submitters, no conflicts (2 of 4 stars). 3 submissions from 3 submitters: Pathogenic (2); Likely pathogenic (1). Last evaluated 2025-03-04.

Conditions:
Hereditary breast ovarian cancer syndrome. Also called: BRCA1- and BRCA2-Associated Hereditary Breast and Ovarian Cancer; Hereditary breast and/or ovarian cancer syndrome; Hereditary breast and ovarian cancer; Hereditary breast and ovarian cancer syndrome (HBOC); Breast and ovarian cancer; Hereditary breast and ovarian cancer syndrome. Identifiers: Orphanet 145, MedGen C0677776, MeSH D061325, MONDO:0003582. Disease mechanism: loss of function.

Submissions (3):

Center for Genomic Medicine, Rigshospitalet, Copenhagen University Hospital
Classification: Pathogenic. Last evaluated: 2025-03-04. Review status: criteria provided, single submitter. Criteria: ACMG Guidelines, 2015. Collection method: clinical testing. Allele origin: germline.

Labcorp Genetics (formerly Invitae), Labcorp
Classification: Pathogenic for Hereditary breast ovarian cancer syndrome. Last evaluated: 2024-03-15. Review status: criteria provided, single submitter. Criteria: Invitae Variant Classification Sherloc (09022015). Collection method: clinical testing. Allele origin: germline.
Comment: This sequence change creates a premature translational stop signal (p.His2147Leufs*20) in the BRCA2 gene. It is expected to result in an absent or disrupted protein product. Loss-of-function variants in BRCA2 are known to be pathogenic (PMID: 20104584). This variant is not present in population databases (gnomAD no frequency). This premature translational stop signal has been observed in individual(s) with breast cancer (PMID: 28724667). This variant is also known as c.6438_6441del (p.N2146fs). For these reasons, this variant has been classified as Pathogenic.

Quest Diagnostics Nichols Institute San Juan Capistrano
Classification: Likely pathogenic. Last evaluated: 2024-01-04. Review status: criteria provided, single submitter. Criteria: Quest Diagnostics criteria. Collection method: clinical testing. Allele origin: unknown.
Comment: The BRCA2 c.6440_6443del (p.His2147Leufs*20) variant alters the translational reading frame of the BRCA2 mRNA and is predicted to cause the premature termination of BRCA2 protein synthesis. This variant has been reported in the published literature in an individual with breast cancer (PMID: 28724667 (2017)). This variant has not been reported in large, multi-ethnic general populations (Genome Aggregation Database). Based on the available information, this variant is classified as likely pathogenic.

Literature cited by the submitters: PubMed 20104584 (cited by Labcorp Genetics (formerly Invitae), Labcorp); PubMed 28724667 (cited by Labcorp Genetics (formerly Invitae), Labcorp and Quest Diagnostics Nichols Institute San Juan Capistrano); PubMed 30702160 (cited by Quest Diagnostics Nichols Institute San Juan Capistrano).

NM_000059.4(BRCA2):c.6440_6443del (p.His2147fs)

Gene: BRCA2 (BRCA2 DNA repair associated; plus strand). Cytogenetic location: 13q13.1.
Variant type: Deletion.
Coding change: c.6440_6443del on transcript NM_000059.4 (MANE Select); coding-DNA positions 6440 to 6443, 4 bases deleted (ACTC; older notation c.6440_6443delACTC).
Protein change: p.His2147fs; shifts the reading frame from histidine 2147.
Molecular consequence: frameshift variant.
Genome position (GRCh38, 1-based): chr13:32,340,795-32,340,798, ACTC deleted; deleting any 4 consecutive bases within chr13:32,340,793-32,340,798 gives the same sequence; the c. name uses the placement nearest the transcript's 3' end. VCF-style (leftmost placement, unchanged base first): chr13-32340792-ATCAC-A. GRCh37 (hg19) VCF-style: chr13-32914929-ATCAC-A.
Other names: c.6440_6443del (NM_000059.3); short protein forms H2147fs.
Identifiers: ClinVar variation 2736005 (VCV002736005.6), dbSNP rs1566234607, ClinGen allele CA919242708.
Genomic context (GRCh38, chr13:32,340,792, plus strand): 5'-GCAGTAAAGAATTTAAATTATCAAATAACTTAAATGTTGAAGGTGGTTCTTCAGAAAATA[ATCAC>A]TCTATTAAAGTTTCTCCATATCTCTCTCAATTTCAACAAGACAAACAACAGTTGGTATTA-3'